The following is an entry in ClinVar:

NM_032578.4(MYPN):c.890C>T (p.Pro297Leu)

Gene: MYPN (myopalladin; plus strand). Cytogenetic location: 10q21.3.
Variant type: single nucleotide variant.
Coding change: c.890C>T on transcript NM_032578.4 (MANE Select); coding-DNA position 890, C replaced by T.
Protein change: p.Pro297Leu; replaces proline 297 with leucine.
Molecular consequence: missense variant. On other transcripts: 5 prime UTR variant (1), non-coding transcript variant (1).
Genome position (GRCh38, 1-based): chr10:68,122,328, C>T. VCF-style: chr10-68122328-C-T. GRCh37 (hg19) VCF-style: chr10-69882085-C-T.
Other names: c.890C>T, p.Pro297Leu (NM_001256267.2); c.-233C>T (NM_001256268.2); short protein forms P297L.
Identifiers: ClinVar variation 379260 (VCV000379260.15), dbSNP rs138187845, ClinGen allele CA5522352.
Genomic context (GRCh38, chr10:68,122,328, plus strand): 5'-GCAGAGAAGTTCCAGAAGGAACTCGAGTACAGTTGGATTGCATAGTGGTAGGAATTCCAC[C>T]ACCTCAAGTAAGGTAAAAATGTCCCATTGGTAATGCTGAGTAATGTTGCTTTCCATCTAC-3'
Protein context (NP_115967.2, residues 287-307): QLDCIVVGIP[Pro297Leu]PQVRWYCEGK

ClinVar aggregate classification (germline): Uncertain significance. Review status: criteria provided, multiple submitters, no conflicts (2 of 4 stars). 4 submissions from 4 submitters: Uncertain significance (4). Last evaluated 2025-01-17.

Conditions:
Cardiovascular phenotype. Identifiers: MedGen CN230736.
Dilated cardiomyopathy 1KK (CMD1KK). Identifiers: Orphanet 154, Orphanet 75249, MedGen C3714995, MONDO:0014100, OMIM 615248.
MYPN-related myopathy (CMYO24). Also called: Nemaline myopathy 11, autosomal recessive. Identifiers: MedGen C4479186, MONDO:0015023, OMIM 617336.

Allele frequency attached by ClinVar (database versions not stated): ExAC 0.00001; gnomAD exomes 0.00001 and 0.00002; TOPMed 0.00001; gnomAD 0.00003; ESP Exome Variant Server 0.00008.
gnomAD v4.1: 27 of 1,613,312 alleles (0.0017%); highest among the groups gnomAD compares: Non-Finnish European, 0.0022%; no homozygotes.

Submissions (4):

Ambry Genetics
Classification: Uncertain significance for Cardiovascular phenotype. Last evaluated: 2025-01-17. Review status: criteria provided, single submitter. Criteria: Ambry Variant Classification Scheme 2023. Collection method: clinical testing. Allele origin: germline.

Fulgent Genetics
Classification: Uncertain significance for Dilated cardiomyopathy 1KK; MYPN-related myopathy. Last evaluated: 2021-09-14. Review status: criteria provided, single submitter. Criteria: ACMG Guidelines, 2015. Collection method: clinical testing. Allele origin: unknown.

Labcorp Genetics (formerly Invitae), Labcorp
Classification: Uncertain significance for Dilated cardiomyopathy 1KK. Last evaluated: 2021-09-01. Review status: criteria provided, single submitter. Criteria: Invitae Variant Classification Sherloc (09022015). Collection method: clinical testing. Allele origin: germline.
Comment: This sequence change replaces proline with leucine at codon 297 of the MYPN protein (p.Pro297Leu). The proline residue is moderately conserved and there is a moderate physicochemical difference between proline and leucine. This variant is present in population databases (rs138187845, ExAC 0.002%). This variant has not been reported in the literature in individuals affected with MYPN-related conditions. ClinVar contains an entry for this variant (Variation ID: 379260). Algorithms developed to predict the effect of missense changes on protein structure and function (SIFT, PolyPhen-2, Align-GVGD) all suggest that this variant is likely to be tolerated. In summary, the available evidence is currently insufficient to determine the role of this variant in disease. Therefore, it has been classified as a Variant of Uncertain Significance.

GeneDx
Classification: Uncertain significance. Last evaluated: 2019-11-13. Review status: criteria provided, single submitter. Criteria: GeneDx Variant Classification Process June 2021. Collection method: clinical testing. Allele origin: germline. Affected: yes.
Comment: Has not been previously published as pathogenic or benign to our knowledge; Not observed at a significant frequency in large population cohorts (Lek et al., 2016); In silico analysis, which includes protein predictors and evolutionary conservation, supports that this variant does not alter protein structure/function